The following is an entry in ClinVar:

NM_002485.5(NBN):c.1616C>T (p.Ser539Phe)

Gene: NBN (nibrin; minus strand). Cytogenetic location: 8q21.3.
Variant type: single nucleotide variant.
Coding change: c.1616C>T on transcript NM_002485.5 (MANE Select); coding-DNA position 1616, C replaced by T.
Protein change: p.Ser539Phe; replaces serine 539 with phenylalanine.
Molecular consequence: missense variant.
Genome position (GRCh38, 1-based): chr8:89,953,473, G>A on the plus strand (C>T on the coding strand, the complement: NBN is on the minus strand). VCF-style: chr8-89953473-G-A. GRCh37 (hg19) VCF-style: chr8-90965701-G-A.
Other names: c.1370C>T, p.Ser457Phe (NM_001024688.3); short protein forms S539F, S457F.
Identifiers: ClinVar variation 1776496 (VCV001776496.2), dbSNP rs768431216, ClinGen allele CA371655470.
Genomic context (GRCh38, chr8:89,953,473, plus strand): 5'-TCTATGGCCACATCATCCATTTCCCTTTTTTTATTTGATCTTAGCTTTTCTGCAGCATGA[G>A]ATTTACTGGCAGAATTTTTCACAATAGATTTTAAATCTGTATCTGTAAATAAGTTATTGT-3'
Protein context (NP_002476.2, residues 529-549): KSIVKNSASK[Ser539Phe]HAAEKLRSNK

ClinVar aggregate classification (germline): Uncertain significance (1 of 4 stars; one submission).

Conditions:
Hereditary cancer-predisposing syndrome. Also called: Neoplastic Syndromes, Hereditary; Tumor predisposition; Hereditary Cancer Syndrome; Hereditary neoplastic syndrome. Identifiers: Orphanet 140162, MedGen C0027672, MeSH D009386, MONDO:0015356.

Submission:

Ambry Genetics
Classification: Uncertain significance for Hereditary cancer-predisposing syndrome. Last evaluated: 2022-05-01. Review status: criteria provided, single submitter. Criteria: Ambry Variant Classification Scheme 2023. Collection method: clinical testing. Allele origin: germline.
Comment: The p.S539F variant (also known as c.1616C>T), located in coding exon 11 of the NBN gene, results from a C to T substitution at nucleotide position 1616. The serine at codon 539 is replaced by phenylalanine, an amino acid with highly dissimilar properties. This amino acid position is conserved. In addition, this alteration is predicted to be tolerated by in silico analysis. Since supporting evidence is limited at this time, the clinical significance of this alteration remains unclear.